The following is an entry in ClinVar:

NM_007194.4(CHEK2):c.506T>C (p.Phe169Ser)

Gene: CHEK2 (checkpoint kinase 2; minus strand). Cytogenetic location: 22q12.1.
Variant type: single nucleotide variant.
Coding change: c.506T>C on transcript NM_007194.4 (MANE Select); coding-DNA position 506, T replaced by C.
Protein change: p.Phe169Ser; replaces phenylalanine 169 with serine.
Molecular consequence: missense variant. On other transcripts: 5 prime UTR variant (2), intron variant (1).
Genome position (GRCh38, 1-based): chr22:28,725,063, A>G on the plus strand (T>C on the coding strand, the complement: CHEK2 is on the minus strand). VCF-style: chr22-28725063-A-G. GRCh37 (hg19) VCF-style: chr22-29121051-A-G.
Other names: c.635T>C, p.Phe212Ser (NM_001005735.3, NM_001438294.1); c.-272T>C (NM_001257387.3); c.-158T>C (NM_001437942.1); c.599T>C, p.Phe200Ser (NM_001438293.1, NM_001438295.1); c.506T>C, p.Phe169Ser (NM_145862.3); c.445-140T>C (NM_001349956.3); short protein forms F169S, F212S, F200S.
Identifiers: ClinVar variation 479540 (VCV000479540.18), dbSNP rs1555926890, ClinGen allele CA16622099.

ClinVar aggregate classification (germline): Uncertain significance. Review status: criteria provided, multiple submitters, no conflicts (2 of 4 stars). 3 submissions from 3 submitters: Uncertain significance (3). Last evaluated 2025-09-03.

Conditions:
Familial cancer of breast. Also called: BREAST CANCER, FAMILIAL; Hereditary breast cancer; hereditary breast carcinoma. Identifiers: Orphanet 227535, MedGen C0346153, MONDO:0016419, OMIM 114480. Disease mechanism: loss of function.
Hereditary cancer-predisposing syndrome. Also called: Hereditary Cancer Syndrome; Neoplastic Syndromes, Hereditary; Tumor predisposition; Hereditary neoplastic syndrome. Identifiers: Orphanet 140162, MedGen C0027672, MeSH D009386, MONDO:0015356.

Submissions (3):

Labcorp Genetics (formerly Invitae), Labcorp
Classification: Uncertain significance for Familial cancer of breast. Last evaluated: 2025-09-03. Review status: criteria provided, single submitter. Criteria: Invitae Variant Classification Sherloc (09022015). Collection method: clinical testing. Allele origin: germline.
Comment: This sequence change replaces phenylalanine, which is neutral and non-polar, with serine, which is neutral and polar, at codon 169 of the CHEK2 protein (p.Phe169Ser). This variant is not present in population databases (gnomAD no frequency). This missense change has been observed in individual(s) with breast cancer (PMID: 25503501). ClinVar contains an entry for this variant (Variation ID: 479540). An algorithm developed to predict the effect of missense changes on protein structure and function (PolyPhen-2) suggests that this variant is likely to be disruptive. In summary, the available evidence is currently insufficient to determine the role of this variant in disease. Therefore, it has been classified as a Variant of Uncertain Significance.

Ambry Genetics
Classification: Uncertain significance for Hereditary cancer-predisposing syndrome. Last evaluated: 2024-12-09. Review status: criteria provided, single submitter. Criteria: Ambry Variant Classification Scheme 2023. Collection method: clinical testing. Allele origin: germline.
Comment: The p.F169S variant (also known as c.506T>C), located in coding exon 3 of the CHEK2 gene, results from a T to C substitution at nucleotide position 506. The phenylalanine at codon 169 is replaced by serine, an amino acid with highly dissimilar properties. This alteration was previously reported in one individual from a cohort of 278 BRCA1/2-negative individuals with early-onset breast cancer via multiplex panel testing of 22 cancer susceptibility genes. p.F169S was reported in trans with another CHEK2 missense alteration; both were assessed as likely deleterious by the study authors based on in silico data (Maxwell KN et al. Genet. Med. 2015 Aug;17:630-8). In another study of familial breast/ovarian cancer patients undergoing whole exome sequencing, this variant was classified as a VUS using American College of Medical Genetics (ACMG) classification criteria (Maxwell KN et al. Am. J. Hum. Genet. 2016 May;98(5):801-817). This amino acid position is highly conserved in available vertebrate species. In addition, this alteration is predicted to be deleterious by in silico analysis. Based on the available evidence, the clinical significance of this variant remains unclear.

Color Diagnostics, LLC DBA Color Health
Classification: Uncertain significance for Hereditary cancer-predisposing syndrome. Last evaluated: 2022-11-16. Review status: criteria provided, single submitter. Criteria: ACMG Guidelines, 2015. Collection method: clinical testing. Allele origin: germline.
Comment: This missense variant replaces phenylalanine with serine at codon 169 of the CHEK2 protein. Computational prediction suggests that this variant may have deleterious impact on protein structure and function (internally defined REVEL score threshold >= 0.7, PMID: 27666373). To our knowledge, functional studies have not been reported for this variant. This variant has been reported in two individuals affected with breast cancer (PMID: 25503501, 31658756). One of these individuals was affected with early-onset breast cancer and carried this variant in trans with a pathogenic variant in the same gene (PMID: 31658756). This proband's parents were heterozygous carriers and unaffected with cancer. This variant has not been identified in the general population by the Genome Aggregation Database (gnomAD). The available evidence is insufficient to determine the role of this variant in disease conclusively. Therefore, this variant is classified as a Variant of Uncertain Significance.

Literature cited by the submitters: PubMed 25503501 (cited by 3 submitters); PubMed 31658756 (cited by Color Diagnostics, LLC DBA Color Health).